The following is an entry in ClinVar:

NM_182914.3(SYNE2):c.19543G>A (p.Gly6515Arg)

Gene: SYNE2 (spectrin repeat containing nuclear envelope protein 2; plus strand). Cytogenetic location: 14q23.2.
Variant type: single nucleotide variant.
Coding change: c.19543G>A on transcript NM_182914.3 (MANE Select); coding-DNA position 19543, G replaced by A.
Protein change: p.Gly6515Arg; replaces glycine 6515 with arginine.
Molecular consequence: missense variant.
Genome position (GRCh38, 1-based): chr14:64,218,398, G>A. VCF-style: chr14-64218398-G-A. GRCh37 (hg19) VCF-style: chr14-64685116-G-A.
Other names: c.19474G>A, p.Gly6492Arg (NM_015180.6); c.67G>A, p.Gly23Arg (NM_182910.2); c.445G>A, p.Gly149Arg (NM_182913.4); short protein forms G149R, G6492R, G23R, G6515R.
Identifiers: ClinVar variation 3730701 (VCV003730701.2).

ClinVar aggregate classification (germline): Uncertain significance (1 of 4 stars; one submission).

Conditions:
Emery-Dreifuss muscular dystrophy 5, autosomal dominant (EDMD5). Also called: EMERY-DREIFUSS MUSCULAR DYSTROPHY 5. Identifiers: Orphanet 261, MedGen C2751805, MONDO:0013072, OMIM 612999.

gnomAD v4.1: 4 of 1,613,860 alleles (0.00025%); highest among the groups gnomAD compares: Non-Finnish European, 0.00034%; no homozygotes.

Submission:

Labcorp Genetics (formerly Invitae), Labcorp
Classification: Uncertain significance for Emery-Dreifuss muscular dystrophy 5, autosomal dominant. Last evaluated: 2024-11-13. Review status: criteria provided, single submitter. Criteria: Invitae Variant Classification Sherloc (09022015). Collection method: clinical testing. Allele origin: germline.
Comment: This sequence change replaces glycine, which is neutral and non-polar, with arginine, which is basic and polar, at codon 6515 of the SYNE2 protein (p.Gly6515Arg). This variant is present in population databases (no rsID available, gnomAD 0.0009%). This variant has not been reported in the literature in individuals affected with SYNE2-related conditions. An algorithm developed to predict the effect of missense changes on protein structure and function (PolyPhen-2) suggests that this variant is likely to be disruptive. Algorithms developed to predict the effect of sequence changes on RNA splicing suggest that this variant may disrupt the consensus splice site. In summary, the available evidence is currently insufficient to determine the role of this variant in disease. Therefore, it has been classified as a Variant of Uncertain Significance.